The following is an entry in ClinVar:

ClinVar aggregate classification (germline): Uncertain significance (1 of 4 stars; one submission).

gnomAD v4.1: 1 of 1,613,702 alleles (0.000062%); highest among the groups gnomAD compares: Non-Finnish European, 0.000085%; no homozygotes.

Submission:

Labcorp Genetics (formerly Invitae), Labcorp
Classification: Uncertain significance. Last evaluated: 2021-06-04. Review status: criteria provided, single submitter. Criteria: Invitae Variant Classification Sherloc (09022015). Collection method: clinical testing. Allele origin: germline.
Comment: This sequence change replaces glutamine with histidine at codon 3512 of the VPS13D protein (p.Gln3512His). The glutamine residue is moderately conserved and there is a small physicochemical difference between glutamine and histidine. This variant is not present in population databases (ExAC no frequency). This variant has not been reported in the literature in individuals with VPS13D-related conditions. Algorithms developed to predict the effect of missense changes on protein structure and function are either unavailable or do not agree on the potential impact of this missense change (SIFT: "Not Available"; PolyPhen-2: "Probably Damaging"; Align-GVGD: "Not Available"). In summary, the available evidence is currently insufficient to determine the role of this variant in disease. Therefore, it has been classified as a Variant of Uncertain Significance.

NM_015378.4(VPS13D):c.10536G>T (p.Gln3512His)

Gene: VPS13D (vacuolar protein sorting 13 homolog D; plus strand). Cytogenetic location: 1p36.22.
Variant type: single nucleotide variant.
Coding change: c.10536G>T on transcript NM_015378.4 (MANE Select); coding-DNA position 10536, G replaced by T.
Protein change: p.Gln3512His; replaces glutamine 3512 with histidine.
Molecular consequence: missense variant.
Genome position (GRCh38, 1-based): chr1:12,368,555, G>T. VCF-style: chr1-12368555-G-T. GRCh37 (hg19) VCF-style: chr1-12428610-G-T.
Other names: c.10461G>T, p.Gln3487His (NM_018156.4); short protein forms Q3487H, Q3512H.
Identifiers: ClinVar variation 1358913 (VCV001358913.8), dbSNP rs2101625287, ClinGen allele CA338498255.